The following is an entry in ClinVar:

NM_016360.4(TACO1):c.472dup (p.His158fs)

Gene: TACO1 (translational activator of cytochrome c oxidase I; plus strand). Cytogenetic location: 17q23.3.
Variant type: Duplication.
Coding change: c.472dup on transcript NM_016360.4 (MANE Select); coding-DNA position 472, one base duplicated (C; older notation c.472dupC).
Protein change: p.His158fs; shifts the reading frame from histidine 158.
Molecular consequence: frameshift variant.
Genome position (GRCh38, 1-based): chr17:63,606,397, C duplicated; the last of 2 consecutive C bases (chr17:63,606,396-63,606,397); duplicating either gives the same sequence. VCF-style (leftmost placement, unchanged base first): chr17-63606395-G-GC. GRCh37 (hg19) VCF-style: chr17-61683755-G-GC.
Other names: short protein forms H158fs.
Identifiers: ClinVar variation 411 (VCV000000411.4), dbSNP rs587776513, ClinGen allele CA114256.
Genomic context (GRCh38, chr17:63,606,395, plus strand): 5'-TGTATGAGGGTCGAGGCCCTGGTGGCTCTTCTCTGCTCATCGAGGCATTATCTAACAGTA[G>GC]CCACAAGTGCCAAGCAGACATTAGACATATCCTGAATAAGAATGGGTAAGTGTGCGTCTG-3'

ClinVar aggregate classification (germline): Likely pathogenic. Review status: criteria provided, single submitter (1 of 4 stars). 2 submissions from 2 submitters: Likely pathogenic (1). 1 of the submissions does not count toward it. Last evaluated 2018-12-03.

Conditions:
Mitochondrial complex IV deficiency, nuclear type 8. Also called: Mitochondrial complex 4 deficiency, nuclear type 8. Identifiers: MedGen C5436689, MONDO:0033638, OMIM 619052.
Mitochondrial complex IV deficiency, nuclear type 1 (MC4DN1). Also called: Complex 4 mitochondrial respiratory chain deficiency; Deficiency of mitochondrial respiratory chain complex4; Complex IV deficiency; Mitochondrial complex IV deficiency; COX DEFICIENCY. Identifiers: MedGen C5435656, MONDO:0700250, OMIM 220110. Disease mechanism: loss of function.

Submissions (2):

Broad Center for Mendelian Genomics, Broad Institute of MIT and Harvard
Classification: Likely pathogenic for Mitochondrial complex IV deficiency, nuclear type 1. Last evaluated: 2018-12-03. Review status: criteria provided, single submitter. Criteria: ACMG Guidelines, 2015. Collection method: research. Allele origin: germline. Inheritance: Autosomal recessive inheritance. Affected: yes.
Comment: This variant was absent from large population studies. The homozygous p.His158ProfsTer8 variant in TACO1 has been reported in 5 Turkish individuals with Mitochondrial Complex IV Deficiency, and segregated with disease in 5 affected relatives from one cosanguineous family. Seven additional relatives, 1 without the variant and 6 with the variant in the heterozygous state, were unaffected (PMID: 19503089). This variant is predicted to cause a frameshift, which alters the protein's amino acid sequence beginning at position 158 and leads to a premature termination codon 8 amino acids downstream. This alteration is then predicted to lead to a truncated or absent protein. However, loss of function of the TACO1 gene is not an established disease mechanism in autosomal recessive Mitochrondrial Complex IV Deficiency based on the criteria laid out in Tayoun, 2018 (PMID: 30192042). In vitro functional studies with fibroblast mitochondria from a patient homozygous for this variant provide some evidence that the p.His158ProfsTer8 variant may impact protein function since Mitochondrial Complex IV levels were rescued by wild-type TACO1 expression (PMID: 19503089). However, these types of assays may not accurately represent biological function. In summary, although additional studies are required to fully establish its clinical significance, this variant is likely pathogenic. ACMG/AMP Criteria applied: PM2, PS3, PP1 (Richards 2015).

OMIM
Classification: Pathogenic for MITOCHONDRIAL COMPLEX IV DEFICIENCY, NUCLEAR TYPE 8. Last evaluated: 2010-11-01. Review status: no assertion criteria provided. Collection method: literature only. Allele origin: germline. Not counted in ClinVar's aggregate classification.

Literature cited by the submitters: PubMed 19503089 (cited by Broad Center for Mendelian Genomics, Broad Institute of MIT and Harvard and OMIM); PubMed 20727754 (cited by OMIM).